The following is an entry in ClinVar:

NM_020937.4(FANCM):c.295T>C (p.Ser99Pro)

Gene: FANCM (FA complementation group M; plus strand). Cytogenetic location: 14q21.2.
Variant type: single nucleotide variant.
Coding change: c.295T>C on transcript NM_020937.4 (MANE Select); coding-DNA position 295, T replaced by C.
Protein change: p.Ser99Pro; replaces serine 99 with proline.
Molecular consequence: missense variant.
Genome position (GRCh38, 1-based): chr14:45,136,326, T>C. VCF-style: chr14-45136326-T-C. GRCh37 (hg19) VCF-style: chr14-45605529-T-C.
Other names: c.295T>C, p.Ser99Pro (NM_001308133.2, NM_001308134.2); short protein forms S99P.
Identifiers: ClinVar variation 2809511 (VCV002809511.3), dbSNP rs1372964101, ClinGen allele CA389587774.

ClinVar aggregate classification (germline): Uncertain significance (1 of 4 stars; one submission).

Conditions:
Fanconi anemia (FA). Also called: Fanconi's anemia. Identifiers: Orphanet 84, MedGen C0015625, MeSH D005199, MONDO:0019391.

Submission:

Labcorp Genetics (formerly Invitae), Labcorp
Classification: Uncertain significance for Fanconi anemia. Last evaluated: 2022-10-23. Review status: criteria provided, single submitter. Criteria: Invitae Variant Classification Sherloc (09022015). Collection method: clinical testing. Allele origin: germline.
Comment: In summary, the available evidence is currently insufficient to determine the role of this variant in disease. Therefore, it has been classified as a Variant of Uncertain Significance. Algorithms developed to predict the effect of missense changes on protein structure and function are either unavailable or do not agree on the potential impact of this missense change (SIFT: "Tolerated"; PolyPhen-2: "Possibly Damaging"; Align-GVGD: "Class C0"). This variant has not been reported in the literature in individuals affected with FANCM-related conditions. This variant is not present in population databases (gnomAD no frequency). This sequence change replaces serine, which is neutral and polar, with proline, which is neutral and non-polar, at codon 99 of the FANCM protein (p.Ser99Pro).